The following is an entry in ClinVar:

ClinVar aggregate classification (germline): Likely benign (0 of 4 stars; one submission).

Conditions:
SEMA3F-related disorder. Also called: SEMA3F-related condition.

Allele frequency attached by ClinVar (database versions not stated): ExAC 0.00004; gnomAD 0.00005; TOPMed 0.00006; ESP Exome Variant Server 0.00008.
gnomAD v4.1: 156 of 1,613,982 alleles (0.0097%); highest among the groups gnomAD compares: Non-Finnish European, 0.013%; no homozygotes.

Submission:

PreventionGenetics, part of Exact Sciences
Classification: Likely benign for SEMA3F-related condition. Last evaluated: 2021-12-23. Review status: no assertion criteria provided. Collection method: clinical testing. Allele origin: germline.
Comment: This variant is classified as likely benign based on ACMG/AMP sequence variant interpretation guidelines (Richards et al. 2015 PMID: 25741868, with internal and published modifications).

NM_004186.5(SEMA3F):c.336C>T (p.Asn112=)

Gene: SEMA3F (semaphorin 3F; plus strand). Cytogenetic location: 3p21.31.
Variant type: single nucleotide variant.
Coding change: c.336C>T on transcript NM_004186.5 (MANE Select); coding-DNA position 336, C replaced by T.
Protein change: p.Asn112=; no amino-acid change (asparagine 112 retained).
Molecular consequence: synonymous variant.
Genome position (GRCh38, 1-based): chr3:50,174,114, C>T. VCF-style: chr3-50174114-C-T. GRCh37 (hg19) VCF-style: chr3-50211547-C-T.
Other names: c.132C>T, p.Asn44= (NM_001318798.2); c.336C>T, p.Asn112= (NM_001318800.2).
Identifiers: ClinVar variation 3039662 (VCV003039662.2), dbSNP rs369738643, ClinGen allele CA2411716.